The following is an entry in ClinVar:

ClinVar aggregate classification (germline): Benign (0 of 4 stars; one submission).

Conditions:
PDZD2-related disorder. Also called: PDZD2-related condition.

Allele frequency attached by ClinVar (database versions not stated): 1000 Genomes Project 0.00080; 1000 Genomes Project 30x 0.00094; ESP Exome Variant Server 0.00131; gnomAD 0.00134; TOPMed 0.00146.
gnomAD v4.1: 2,472 of 1,614,216 alleles (0.15%); highest among the groups gnomAD compares: Admixed American, 0.34%; 7 homozygotes.

Submission:

PreventionGenetics, part of Exact Sciences
Classification: Benign for PDZD2-related condition. Last evaluated: 2019-02-28. Review status: no assertion criteria provided. Collection method: clinical testing. Allele origin: germline.
Comment: This variant is classified as benign based on ACMG/AMP sequence variant interpretation guidelines (Richards et al. 2015 PMID: 25741868, with internal and published modifications).

NM_178140.4(PDZD2):c.6824A>G (p.Gln2275Arg)

Gene: PDZD2 (PDZ domain containing 2; plus strand). Cytogenetic location: 5p13.3.
Variant type: single nucleotide variant.
Coding change: c.6824A>G on transcript NM_178140.4 (MANE Select); coding-DNA position 6824, A replaced by G.
Protein change: p.Gln2275Arg; replaces glutamine 2275 with arginine.
Molecular consequence: missense variant.
Genome position (GRCh38, 1-based): chr5:32,090,272, A>G. VCF-style: chr5-32090272-A-G. GRCh37 (hg19) VCF-style: chr5-32090378-A-G.
Other names: short protein forms Q2275R.
Identifiers: ClinVar variation 3041406 (VCV003041406.2), dbSNP rs150841463, ClinGen allele CA3220197.